The following is an entry in ClinVar:

NM_001197104.2(KMT2A):c.6706G>A (p.Ala2236Thr)

Gene: KMT2A (lysine methyltransferase 2A; plus strand). Cytogenetic location: 11q23.3.
Variant type: single nucleotide variant.
Coding change: c.6706G>A on transcript NM_001197104.2 (MANE Select); coding-DNA position 6706, G replaced by A.
Protein change: p.Ala2236Thr; replaces alanine 2236 with threonine.
Molecular consequence: missense variant.
Genome position (GRCh38, 1-based): chr11:118,502,598, G>A. VCF-style: chr11-118502598-G-A. GRCh37 (hg19) VCF-style: chr11-118373313-G-A.
Other names: c.6697G>A, p.Ala2233Thr (NM_005933.4); short protein forms A2233T, A2236T.
Identifiers: ClinVar variation 1420999 (VCV001420999.6), dbSNP rs1335499500, ClinGen allele CA382802751.
Genomic context (GRCh38, chr11:118,502,598, plus strand): 5'-ATGAGAACTGGGAATACTTACTCTAGGAATAATGTTTCCTCAGTCTCCACCACCGGGACC[G>A]CTACTGATCTTGAATCAAGTGCCAAAGTAGTTGATCATGTCTTAGGGCCACTGAATTCAA-3'
Protein context (NP_001184033.1, residues 2226-2246): NVSSVSTTGT[Ala2236Thr]TDLESSAKVV

ClinVar aggregate classification (germline): Uncertain significance (1 of 4 stars; one submission).

Allele frequency attached by ClinVar (database versions not stated): gnomAD exomes below 0.00001; gnomAD 0.00001; TOPMed 0.00002.
gnomAD v4.1: 8 of 1,613,958 alleles (0.0005%); highest among the groups gnomAD compares: African/African-American, 0.0013%; no homozygotes.

Submission:

Labcorp Genetics (formerly Invitae), Labcorp
Classification: Uncertain significance. Last evaluated: 2025-05-31. Review status: criteria provided, single submitter. Criteria: Invitae Variant Classification Sherloc (09022015). Collection method: clinical testing. Allele origin: germline.
Comment: This sequence change replaces alanine, which is neutral and non-polar, with threonine, which is neutral and polar, at codon 2236 of the KMT2A protein (p.Ala2236Thr). This variant is present in population databases (no rsID available, gnomAD 0.0009%). This variant has not been reported in the literature in individuals affected with KMT2A-related conditions. ClinVar contains an entry for this variant (Variation ID: 1420999). Invitae Evidence Modeling of protein sequence and biophysical properties (such as structural, functional, and spatial information, amino acid conservation, physicochemical variation, residue mobility, and thermodynamic stability) indicates that this missense variant is not expected to disrupt KMT2A protein function with a negative predictive value of 95%. In summary, the available evidence is currently insufficient to determine the role of this variant in disease. Therefore, it has been classified as a Variant of Uncertain Significance.